The following is an entry in ClinVar:

ClinVar aggregate classification (germline): Pathogenic. Review status: criteria provided, multiple submitters, no conflicts (2 of 4 stars). 2 submissions from 2 submitters: Pathogenic (2). Last evaluated 2023-08-23.

Conditions:
Mitochondrial complex II deficiency, nuclear type 1. Also called: SUCCINATE CoQ REDUCTASE DEFICIENCY. Identifiers: Orphanet 3208, MedGen C5700310, MONDO:0100294, OMIM 252011.
Pheochromocytoma/paraganglioma syndrome 5. Also called: Paragangliomas 5; SDHA-Related Hereditary Paraganglioma-Pheochromocytoma Syndrome. Identifiers: Orphanet 29072, MedGen C3279992, MONDO:0013602, OMIM 614165.

gnomAD v4.1: 2 of 1,614,130 alleles (0.00012%); highest among the groups gnomAD compares: Non-Finnish European, 0.00017%; no homozygotes.

Submissions (2):

Labcorp Genetics (formerly Invitae), Labcorp
Classification: Pathogenic for Pheochromocytoma/paraganglioma syndrome 5; Mitochondrial complex II deficiency, nuclear type 1. Last evaluated: 2023-08-23. Review status: criteria provided, single submitter. Criteria: Invitae Variant Classification Sherloc (09022015). Collection method: clinical testing. Allele origin: germline.
Comment: For these reasons, this variant has been classified as Pathogenic. This variant has not been reported in the literature in individuals affected with SDHA-related conditions. This variant is not present in population databases (gnomAD no frequency). This sequence change creates a premature translational stop signal (p.Tyr330*) in the SDHA gene. It is expected to result in an absent or disrupted protein product. Loss-of-function variants in SDHA are known to be pathogenic (PMID: 22974104, 24781757).

Myriad Genetics, Inc.
Classification: Pathogenic for Pheochromocytoma/paraganglioma syndrome 5. Last evaluated: 2023-06-14. Review status: criteria provided, single submitter. Criteria: Myriad Autosomal Dominant, Autosomal Recessive and X-Linked Classification Criteria (2023). Collection method: clinical testing. Allele origin: unknown.
Comment: This variant is considered pathogenic. This variant creates a termination codon and is predicted to result in premature protein truncation.

Literature cited by the submitters: PubMed 22974104 (cited by Labcorp Genetics (formerly Invitae), Labcorp); PubMed 24781757 (cited by Labcorp Genetics (formerly Invitae), Labcorp).

NM_004168.4(SDHA):c.990C>A (p.Tyr330Ter)

Gene: SDHA (succinate dehydrogenase complex flavoprotein subunit A; plus strand). Cytogenetic location: 5p15.33.
Variant type: single nucleotide variant.
Coding change: c.990C>A on transcript NM_004168.4 (MANE Select); coding-DNA position 990, C replaced by A.
Protein change: p.Tyr330Ter; replaces tyrosine 330 with a stop codon.
Molecular consequence: nonsense.
Genome position (GRCh38, 1-based): chr5:233,571, C>A. VCF-style: chr5-233571-C-A. GRCh37 (hg19) VCF-style: chr5-233686-C-A.
Other names: c.846C>A, p.Tyr282Ter (NM_001294332.2); c.990C>A, p.Tyr330Ter (NM_001330758.2); short protein forms Y282*, Y330*.
Identifiers: ClinVar variation 2583506 (VCV002583506.5), dbSNP rs370547766, ClinGen allele CA359012790.